The following is an entry in ClinVar:

ClinVar aggregate classification (germline): Uncertain significance (1 of 4 stars; one submission).

Submission:

Ambry Genetics
Classification: Uncertain significance. Last evaluated: 2021-11-24. Review status: criteria provided, single submitter. Criteria: Ambry Variant Classification Scheme 2023. Collection method: clinical testing. Allele origin: germline.
Comment: The p.P1389R variant (also known as c.4166C>G), located in coding exon 33 of the A2ML1 gene, results from a C to G substitution at nucleotide position 4166. The proline at codon 1389 is replaced by arginine, an amino acid with dissimilar properties. This amino acid position is conserved. In addition, this alteration is predicted to be tolerated by in silico analysis. Since supporting evidence is limited at this time, the clinical significance of this alteration remains unclear.

NM_144670.6(A2ML1):c.4166C>G (p.Pro1389Arg)

Gene: A2ML1 (alpha-2-macroglobulin like 1; plus strand). Cytogenetic location: 12p13.31.
Variant type: single nucleotide variant.
Coding change: c.4166C>G on transcript NM_144670.6 (MANE Select); coding-DNA position 4166, C replaced by G.
Protein change: p.Pro1389Arg; replaces proline 1389 with arginine.
Molecular consequence: missense variant.
Genome position (GRCh38, 1-based): chr12:8,869,148, C>G. VCF-style: chr12-8869148-C-G. GRCh37 (hg19) VCF-style: chr12-9021744-C-G.
Other names: c.2693C>G, p.Pro898Arg (NM_001282424.3); short protein forms P1389R, P898R.
Identifiers: ClinVar variation 1738374 (VCV001738374.2), dbSNP rs1944536329, ClinGen allele CA383813071.
Genomic context (GRCh38, chr12:8,869,148, plus strand): 5'-GAAGGCTCTGGCTCTTAGTATCTTTTTTTTCTCCCTCTCTTATTCAGCTTCTCCAGCAAC[C>G]CCTGGTGAAGAAGGTTGAATTTGGAACTGACACACTTAACATTTACTTGGATGAGGTAGG-3'
Protein context (NP_653271.3, residues 1379-1399): EGTNQLLLQQ[Pro1389Arg]LVKKVEFGTD